The following is an entry in ClinVar:

NM_006269.2(RP1):c.5701C>T (p.Leu1901Phe)

Genes: RP1 (RP1 axonemal microtubule associated; plus strand), LOC126860392 (CDK7 strongly-dependent group 2 enhancer GRCh37_chr8:55541319-55542518; plus strand). Cytogenetic location: 8q12.1.
Variant type: single nucleotide variant.
Coding change: c.5701C>T on transcript NM_006269.2 (MANE Select); coding-DNA position 5701, C replaced by T.
Protein change: p.Leu1901Phe; replaces leucine 1901 with phenylalanine.
Molecular consequence: missense variant.
Genome position (GRCh38, 1-based): chr8:54,629,583, C>T. VCF-style: chr8-54629583-C-T. GRCh37 (hg19) VCF-style: chr8-55542143-C-T.
Other names: short protein forms L1901F.
Identifiers: ClinVar variation 363309 (VCV000363309.20), dbSNP rs113793810, ClinGen allele CA4752114.

ClinVar aggregate classification (germline): Benign/Likely benign. Review status: criteria provided, multiple submitters, no conflicts (2 of 4 stars). 7 submissions from 7 submitters: Benign (3); Likely benign (2). 2 of the submissions do not count toward it. Last evaluated 2025-12-21.

Conditions:
Retinitis pigmentosa 1 (RP1). Identifiers: Orphanet 791, MedGen C0220701, MONDO:0008377, OMIM 180100.
Retinitis pigmentosa (RP). Identifiers: Orphanet 791, MedGen C0035334, MeSH D012174, MONDO:0019200, OMIM 268000. Inheritance: Autosomal dominant, autosomal recessive and X linked inheritance.

Allele frequency attached by ClinVar (database versions not stated): gnomAD exomes 0.00075 and 0.00151; ExAC 0.00200; gnomAD 0.00362 and 0.00389; 1000 Genomes Project 0.00419; TOPMed 0.00433; 1000 Genomes Project 30x 0.00406; ESP Exome Variant Server 0.00408.
gnomAD v4.1: 1,687 of 1,613,986 alleles (0.1%); highest among the groups gnomAD compares: African/African-American, 1.2%; 9 homozygotes.

Submissions (7):

Labcorp Genetics (formerly Invitae), Labcorp
Classification: Benign. Last evaluated: 2025-12-21. Review status: criteria provided, single submitter. Criteria: Invitae Variant Classification Sherloc (09022015). Collection method: clinical testing. Allele origin: germline.

Blueprint Genetics
Classification: Likely benign. Last evaluated: 2024-10-10. Review status: criteria provided, single submitter. Criteria: ACMG Guidelines, 2015. Collection method: clinical testing. Allele origin: germline.

Fulgent Genetics
Classification: Likely benign for Retinitis pigmentosa 1. Last evaluated: 2021-11-10. Review status: criteria provided, single submitter. Criteria: ACMG Guidelines, 2015. Collection method: clinical testing. Allele origin: unknown.

Illumina Laboratory Services, Illumina
Classification: Benign for Retinitis pigmentosa. Last evaluated: 2018-01-13. Review status: criteria provided, single submitter. Criteria: ICSL Variant Classification Criteria 13 December 2019. Collection method: clinical testing. Allele origin: germline.
Comment: This variant was observed in the ICSL laboratory as part of a predisposition screen in an ostensibly healthy population. It had not been previously curated by ICSL or reported in the Human Gene Mutation Database (HGMD: prior to June 1st, 2018), and was therefore a candidate for classification through an automated scoring system. Utilizing variant allele frequency, disease prevalence and penetrance estimates, and inheritance mode, an automated score was calculated to assess if this variant is too frequent to cause the disease. Based on the score and internal cut-off values, a variant classified as benign is not then subjected to further curation. The score for this variant resulted in a classification of benign for this disease.

Breakthrough Genomics
Classification: Benign. Review status: criteria provided, single submitter. Criteria: ACMG Guidelines, 2015. Collection method: not provided. Allele origin: germline. Inheritance: Autosomal dominant inheritance. Affected: yes.

Clinical Genetics DNA and cytogenetics Diagnostics Lab, Erasmus MC, Erasmus Medical Center
Classification: Likely benign. Review status: no assertion criteria provided. Collection method: clinical testing. Allele origin: germline. Affected: yes. Study: VKGL Data-share Consensus. Not counted in ClinVar's aggregate classification.

Clinical Genetics, Academic Medical Center
Classification: Benign. Review status: no assertion criteria provided. Collection method: clinical testing. Allele origin: germline. Affected: yes. Study: VKGL Data-share Consensus. Not counted in ClinVar's aggregate classification.